The following is an entry in ClinVar:

ClinVar aggregate classification (germline): Uncertain significance (1 of 4 stars; one submission).

Submission:

GeneDx
Classification: Uncertain significance. Last evaluated: 2024-07-03. Review status: criteria provided, single submitter. Criteria: GeneDx Variant Classification Process June 2021. Collection method: clinical testing. Allele origin: germline. Affected: yes.
Comment: Not observed at significant frequency in large population cohorts (gnomAD); In silico analysis supports that this missense variant has a deleterious effect on protein structure/function; Has not been previously published as pathogenic or benign to our knowledge

NM_001375524.1(TRRAP):c.9349T>C (p.Phe3117Leu)

Gene: TRRAP (transformation/transcription domain associated protein; plus strand). Cytogenetic location: 7q22.1.
Variant type: single nucleotide variant.
Coding change: c.9349T>C on transcript NM_001375524.1 (MANE Select); coding-DNA position 9349, T replaced by C.
Protein change: p.Phe3117Leu; replaces phenylalanine 3117 with leucine.
Molecular consequence: missense variant.
Genome position (GRCh38, 1-based): chr7:98,985,004, T>C. VCF-style: chr7-98985004-T-C. GRCh37 (hg19) VCF-style: chr7-98582627-T-C.
Other names: c.9361T>C, p.Phe3121Leu (NM_001244580.2); c.9274T>C, p.Phe3092Leu (NM_003496.4); short protein forms F3117L, F3121L, F3092L.
Identifiers: ClinVar variation 3393712 (VCV003393712.1).